The following is an entry in ClinVar:

ClinVar aggregate classification (germline): Pathogenic (0 of 4 stars; one submission).

Conditions:
Congenital afibrinogenemia. Identifiers: Orphanet 335, Orphanet 98880, MedGen C2584774, MONDO:0008737, OMIM 202400.

Submission:

Biochemistry Laboratory, Bechir Hamza Children's Hospital
Classification: Pathogenic for Congenital afibrinogenemia. Last evaluated: 2016-02-27. Review status: no assertion criteria provided. Collection method: research. Allele origin: germline. Inheritance: Autosomal recessive inheritance. Affected: yes. Observed: 1 homozygote.
Comment: Routine coagulation tests revealed that the functional and antigenic fibrinogen levels were extremely reduced and immeasurable, respectively. Both of TT and aPPT were infinitely prolonged.

Literature cited by the submitters: PubMed 27164460.

NM_005141.5(FGB):c.974G>C (p.Gly325Ala)

Gene: FGB (fibrinogen beta chain; plus strand). Cytogenetic location: 4q31.3.
Variant type: single nucleotide variant.
Coding change: c.974G>C on transcript NM_005141.5 (MANE Select); coding-DNA position 974, G replaced by C.
Protein change: p.Gly325Ala; replaces glycine 325 with alanine.
Molecular consequence: missense variant. On other transcripts: intron variant (1).
Genome position (GRCh38, 1-based): chr4:154,569,529, G>C. VCF-style: chr4-154569529-G-C. GRCh37 (hg19) VCF-style: chr4-155490681-G-C.
Other names: c.797G>C, p.Gly266Ala (NM_001184741.1); c.842G>C, p.Gly281Ala (NM_001382759.1); c.974G>C, p.Gly325Ala (NM_001382760.1, NM_001382761.1, NM_001382764.1 and 1 more transcripts); c.965G>C, p.Gly322Ala (NM_001382763.1); c.746-72G>C (NM_001382762.1); short protein forms G266A, G325A, G281A, G322A.
Identifiers: ClinVar variation 800647 (VCV000800647.3), dbSNP rs1578785111, ClinGen allele CA358514598.
Genomic context (GRCh38, chr4:154,569,529, plus strand): 5'-CCAAAATTTTATTTTTGGTGAGATTTTATTTTGTTTTTCTTTTAGGTGAATATTGGCTTG[G>C]AAATGATAAAATTAGCCAGCTTACCAGGATGGGACCCACAGAACTTTTGATAGAAATGGA-3'
Protein context (NP_005132.2, residues 315-335): YCGLPGEYWL[Gly325Ala]NDKISQLTRM